The following is an entry in ClinVar:

ClinVar aggregate classification (germline): Uncertain significance (1 of 4 stars; one submission).

Submission:

Ambry Genetics
Classification: Uncertain significance. Last evaluated: 2021-06-20. Review status: criteria provided, single submitter. Criteria: Ambry Variant Classification Scheme 2023. Collection method: clinical testing. Allele origin: germline.
Comment: The p.D846A variant (also known as c.2537A>C), located in coding exon 13 of the NPAT gene, results from an A to C substitution at nucleotide position 2537. The aspartic acid at codon 846 is replaced by alanine, an amino acid with dissimilar properties. This amino acid position is conserved. In addition, this alteration is predicted to be tolerated by in silico analysis. Since supporting evidence is limited at this time, the clinical significance of this alteration remains unclear.

NM_002519.3(NPAT):c.2537A>C (p.Asp846Ala)

Gene: NPAT (nuclear protein, coactivator of histone transcription; minus strand). Cytogenetic location: 11q22.3.
Variant type: single nucleotide variant.
Coding change: c.2537A>C on transcript NM_002519.3 (MANE Select); coding-DNA position 2537, A replaced by C.
Protein change: p.Asp846Ala; replaces aspartic acid 846 with alanine.
Molecular consequence: missense variant.
Genome position (GRCh38, 1-based): chr11:108,172,447, T>G on the plus strand (A>C on the coding strand, the complement: NPAT is on the minus strand). VCF-style: chr11-108172447-T-G. GRCh37 (hg19) VCF-style: chr11-108043174-T-G.
Other names: c.2537A>C, p.Asp846Ala (NM_001321307.1); short protein forms D846A.
Identifiers: ClinVar variation 1792767 (VCV001792767.2), dbSNP rs1591389970, ClinGen allele CA382512768.